The following is an entry in ClinVar:

NM_031418.4(ANO3):c.2412C>G (p.Ala804=)

Gene: ANO3 (anoctamin 3; plus strand). Cytogenetic location: 11p14.2.
Variant type: single nucleotide variant.
Coding change: c.2412C>G on transcript NM_031418.4 (MANE Select); coding-DNA position 2412, C replaced by G.
Protein change: p.Ala804=; no amino-acid change (alanine 804 retained).
Molecular consequence: synonymous variant.
Genome position (GRCh38, 1-based): chr11:26,643,318, C>G. VCF-style: chr11-26643318-C-G. GRCh37 (hg19) VCF-style: chr11-26664865-C-G.
Other names: c.2595C>G, p.Ala865= (NM_001313726.2); c.1974C>G, p.Ala658= (NM_001313727.2).
Identifiers: ClinVar variation 706734 (VCV000706734.27), dbSNP rs775827602, ClinGen allele CA5926493.

ClinVar aggregate classification (germline): Likely benign. Review status: criteria provided, multiple submitters, no conflicts (2 of 4 stars). 2 submissions from 2 submitters: Likely benign (2). Last evaluated 2022-08-01.

Allele frequency attached by ClinVar (database versions not stated): ExAC 0.00001; gnomAD exomes 0.00002.
gnomAD v4.1: 32 of 1,613,962 alleles (0.002%); highest among the groups gnomAD compares: Non-Finnish European, 0.0025%; no homozygotes.

Submissions (2):

CeGaT Center for Human Genetics Tuebingen
Classification: Likely benign. Last evaluated: 2022-08-01. Review status: criteria provided, single submitter. Criteria: CeGaT Center For Human Genetics Tuebingen Variant Classification Criteria Version 2. Collection method: clinical testing. Allele origin: germline. Affected: yes. Observed: 1 variant allele.
Comment: ANO3: BP4, BP7

Labcorp Genetics (formerly Invitae), Labcorp
Classification: Likely benign. Last evaluated: 2018-03-28. Review status: criteria provided, single submitter. Criteria: Invitae Variant Classification Sherloc (09022015). Collection method: clinical testing. Allele origin: germline.